The following is an entry in ClinVar:

NM_001330260.2(SCN8A):c.3653A>G (p.Glu1218Gly)

Gene: SCN8A (sodium voltage-gated channel alpha subunit 8; plus strand). Cytogenetic location: 12q13.13.
Variant type: single nucleotide variant.
Coding change: c.3653A>G on transcript NM_001330260.2 (MANE Select); coding-DNA position 3653, A replaced by G.
Protein change: p.Glu1218Gly; replaces glutamic acid 1218 with glycine.
Molecular consequence: missense variant.
Genome position (GRCh38, 1-based): chr12:51,774,196, A>G. VCF-style: chr12-51774196-A-G. GRCh37 (hg19) VCF-style: chr12-52167980-A-G.
Other names: c.3653A>G, p.Glu1218Gly (NM_001177984.3, NM_001369788.1, NM_014191.4); short protein forms E1218G.
Identifiers: ClinVar variation 4531425 (VCV004531425.1).

ClinVar aggregate classification (germline): Uncertain significance (1 of 4 stars; one submission).

Conditions:
Cognitive impairment with or without cerebellar ataxia (CIAT). Identifiers: MedGen C3280415, MONDO:0013680, OMIM 614306.

Submission:

Victorian Clinical Genetics Services, Murdoch Childrens Research Institute
Classification: Uncertain significance for Cognitive impairment with or without cerebellar ataxia. Last evaluated: 2025-07-14. Review status: criteria provided, single submitter. Criteria: ACMG Guidelines, 2015. Collection method: clinical testing. Allele origin: germline. Affected: yes.
Comment: This variant is classified as VUS-3A. Evidence in support of pathogenic classification: Variant is absent from gnomAD (v2, v3 and v4); Missense variant predicted to be damaging by in silico tool(s) or highly conserved with a major amino acid change. Additional information: Variant is predicted to result in a missense amino acid change from Glu to Gly; This variant is heterozygous; This gene is associated with autosomal dominant disease; This variant has no previous evidence of pathogenicity; No published evidence of segregation with disease has been identified for this variant; No published functional evidence has been identified for this variant; Another missense variant comparable to the one identified in this case has inconclusive previous evidence for pathogenicity. The p.(Glu1218Lys) variant has been classified as a VUS by a clinical laboratory (ClinVar). It has also been reported in a heterozygous state in an individual with SCN8A-related features, and shown to cause complete loss of channel activity and reduced protein stability (PMID: 28702509); Variant is located in the annotated ion transport protein domain (DECIPHER); Loss of function and gain of function are known mechanisms of disease in this gene, and are associated with cognitive impairment with or without cerebellar ataxia (MIM#614306), and developmental and epileptic encephalopathy 13 (MIM#614558), respectively. In addition, gain of function is speculated for seizures, benign familial infantile, 5 (MIM#617080) (PMID: 31904124, OMIM).

Literature cited by the submitters: PubMed 31904124; PubMed 28702509.